The following is an entry in ClinVar:

NM_000053.4(ATP7B):c.1947-4C>T

Gene: ATP7B (ATPase copper transporting beta; minus strand). Cytogenetic location: 13q14.3.
Variant type: single nucleotide variant.
Coding change: c.1947-4C>T on transcript NM_000053.4 (MANE Select); 4 bases into the intron before coding-DNA position 1947, C replaced by T.
Molecular consequence: intron variant.
Genome position (GRCh38, 1-based): chr13:51,960,326, G>A on the plus strand (C>T on the coding strand, the complement: ATP7B is on the minus strand). VCF-style: chr13-51960326-G-A. GRCh37 (hg19) VCF-style: chr13-52534462-G-A.
Other names: c.1614-4C>T (NM_001243182.2); c.1870-2719C>T (NM_001005918.3); c.1870-1782C>T (NM_001330579.2); c.1947-4C>T (NM_001330578.2).
Identifiers: ClinVar variation 387748 (VCV000387748.26), dbSNP rs74904335, ClinGen allele CA6989146.

ClinVar aggregate classification (germline): Conflicting classifications of pathogenicity. Review status: criteria provided, conflicting classifications (1 of 4 stars). 7 submissions from 7 submitters: Uncertain significance (1); Benign (3); Likely benign (3). Last evaluated 2026-02-01.

Conditions:
Wilson disease (WND). Also called: Wilson's disease. Identifiers: Orphanet 905, MedGen C0019202, MONDO:0010200, OMIM 277900. Disease mechanism: loss of function.

Allele frequency attached by ClinVar (database versions not stated): gnomAD 0.00007 and 0.00033; TOPMed 0.00016; gnomAD exomes 0.00059 and 0.00064; ExAC 0.00080; 1000 Genomes Project 30x 0.00172; 1000 Genomes Project 0.00180.
gnomAD v4.1: 891 of 1,612,656 alleles (0.055%); highest among the groups gnomAD compares: East Asian, 1.9%; 12 homozygotes.

Submissions (7):

Labcorp Genetics (formerly Invitae), Labcorp
Classification: Benign for Wilson disease. Last evaluated: 2026-02-01. Review status: criteria provided, single submitter. Criteria: Invitae Variant Classification Sherloc (09022015). Collection method: clinical testing. Allele origin: germline.

Women's Health and Genetics/Laboratory Corporation of America, LabCorp
Classification: Benign. Last evaluated: 2025-04-16. Review status: criteria provided, single submitter. Criteria: LabCorp Variant Classification Summary - May 2015. Collection method: clinical testing. Allele origin: germline.
Comment: Variant summary: ATP7B c.1947-4C>T alters a nucleotide located at a position not widely known to affect splicing. The variant allele was found at a frequency of 0.00064 in 248268 control chromosomes, predominantly at a frequency of 0.0085 within the East Asian subpopulation in the gnomAD database, including 2 homozygotes. The observed variant frequency within East Asian control individuals in the gnomAD database is approximately 1.57 fold of the estimated maximal expected allele frequency for a pathogenic variant in ATP7B causing Wilson Disease phenotype (0.0054). To our knowledge, no occurrence of c.1947-4C>T in individuals affected with Wilson Disease and no experimental evidence demonstrating its impact on protein function have been reported. ClinVar contains an entry for this variant (Variation ID: 387748). Based on the evidence outlined above, the variant was classified as benign.

Blueprint Genetics
Classification: Likely benign. Last evaluated: 2024-05-20. Review status: criteria provided, single submitter. Criteria: ACMG Guidelines, 2015. Collection method: clinical testing. Allele origin: germline.

Color Diagnostics, LLC DBA Color Health
Classification: Benign for Wilson disease. Last evaluated: 2022-09-23. Review status: criteria provided, single submitter. Criteria: ACMG Guidelines, 2015. Collection method: clinical testing. Allele origin: germline.

Genome-Nilou Lab
Classification: Likely benign for Wilson disease. Last evaluated: 2021-08-10. Review status: criteria provided, single submitter. Criteria: ACMG Guidelines, 2015. Collection method: clinical testing. Allele origin: germline. Affected: no.

GeneDx
Classification: Likely benign. Last evaluated: 2018-09-11. Review status: criteria provided, single submitter. Criteria: GeneDx Variant Classification Process June 2021. Collection method: clinical testing. Allele origin: germline. Affected: yes.

Illumina Laboratory Services, Illumina
Classification: Uncertain significance for Wilson disease. Last evaluated: 2018-01-13. Review status: criteria provided, single submitter. Criteria: ICSL Variant Classification Criteria 13 December 2019. Collection method: clinical testing. Allele origin: germline.

Literature cited by the submitters: PubMed 10790207 (cited by Women's Health and Genetics/Laboratory Corporation of America, LabCorp); PubMed 9554743 (cited by Women's Health and Genetics/Laboratory Corporation of America, LabCorp).